The following is an entry in ClinVar:

NM_015355.4(SUZ12):c.1233A>C (p.Gln411His)

Gene: SUZ12 (SUZ12 polycomb repressive complex 2 subunit; plus strand). Cytogenetic location: 17q11.2.
Variant type: single nucleotide variant.
Coding change: c.1233A>C on transcript NM_015355.4 (MANE Select); coding-DNA position 1233, A replaced by C.
Protein change: p.Gln411His; replaces glutamine 411 with histidine.
Molecular consequence: missense variant.
Genome position (GRCh38, 1-based): chr17:31,993,273, A>C. VCF-style: chr17-31993273-A-C. GRCh37 (hg19) VCF-style: chr17-30320292-A-C.
Other names: c.1164A>C, p.Gln388His (NM_001321207.2); c.1233A>C (NM_015355.2); short protein forms Q411H, Q388H.
Identifiers: ClinVar variation 787450 (VCV000787450.6), dbSNP rs140872258, ClinGen allele CA8489718.

ClinVar aggregate classification (germline): Likely benign. Review status: criteria provided, multiple submitters, no conflicts (2 of 4 stars). 3 submissions from 3 submitters: Likely benign (2). 1 of the submissions does not count toward it. Last evaluated 2025-11-26.

Conditions:
SUZ12-related disorder. Also called: SUZ12-related condition.
Inborn genetic diseases. Identifiers: MedGen C0950123, MeSH D030342.

Allele frequency attached by ClinVar (database versions not stated): ExAC 0.00038; 1000 Genomes Project 30x 0.00016; gnomAD 0.00120 and 0.00130; 1000 Genomes Project 0.00020; TOPMed 0.00126; ESP Exome Variant Server 0.00147.
gnomAD v4.1: 296 of 1,585,758 alleles (0.019%); highest among the groups gnomAD compares: African/African-American, 0.38%; no homozygotes.

Submissions (3):

Ambry Genetics
Classification: Likely benign for Inborn genetic diseases. Last evaluated: 2025-11-26. Review status: criteria provided, single submitter. Criteria: Ambry Variant Classification Scheme 2023. Collection method: clinical testing. Allele origin: germline.

Labcorp Genetics (formerly Invitae), Labcorp
Classification: Likely benign. Last evaluated: 2018-10-24. Review status: criteria provided, single submitter. Criteria: Invitae Variant Classification Sherloc (09022015). Collection method: clinical testing. Allele origin: germline.

PreventionGenetics, part of Exact Sciences
Classification: Likely benign for SUZ12-related condition. Last evaluated: 2020-09-02. Review status: no assertion criteria provided. Collection method: clinical testing. Allele origin: germline. Not counted in ClinVar's aggregate classification.
Comment: This variant is classified as likely benign based on ACMG/AMP sequence variant interpretation guidelines (Richards et al. 2015 PMID: 25741868, with internal and published modifications).